The following is an entry in ClinVar:

NM_014208.3(DSPP):c.3483C>T (p.Asp1161=)

Genes: DMP1-AS1 (DMP1 and DSPP antisense RNA 1; minus strand), DSPP (dentin sialophosphoprotein; plus strand). Cytogenetic location: 4q22.1.
Variant type: single nucleotide variant.
Coding change: c.3483C>T on transcript NM_014208.3 (MANE Select); coding-DNA position 3483, C replaced by T.
Protein change: p.Asp1161=; no amino-acid change (aspartic acid 1161 retained).
Molecular consequence: synonymous variant.
Genome position (GRCh38, 1-based): chr4:87,616,145, C>T. VCF-style: chr4-87616145-C-T. GRCh37 (hg19) VCF-style: chr4-88537297-C-T.
Identifiers: ClinVar variation 2654922 (VCV002654922.24), dbSNP rs765682553, ClinGen allele CA3001736.
Genomic context (GRCh38, chr4:87,616,145, plus strand): 5'-CAGTGACAGCAGTGACAGCAGTGAAAGCAGCGACAGCAGTGACAGCAGCGACAGCAGTGA[C>T]AGCAGCGATAGCAGCGACAGCAGCGACAGCAGCGATAGCAGTGACAGCAGCAATAGCAGT-3'
Protein context (NP_055023.2, residues 1151-1171): SDSSDSSDSS[Asp1161=]SSDSSDSSDS

ClinVar aggregate classification (germline): Likely benign (1 of 4 stars; one submission).

Allele frequency attached by ClinVar (database versions not stated): gnomAD exomes below 0.00001.

Submission:

CeGaT Center for Human Genetics Tuebingen
Classification: Likely benign. Last evaluated: 2023-05-01. Review status: criteria provided, single submitter. Criteria: CeGaT Center For Human Genetics Tuebingen Variant Classification Criteria Version 2. Collection method: clinical testing. Allele origin: germline. Affected: yes. Observed: 2 variant alleles.
Comment: DSPP: BP4, BP7